The following is an entry in ClinVar:

ClinVar aggregate classification (germline): Uncertain significance (1 of 4 stars; one submission).

Submission:

Labcorp Genetics (formerly Invitae), Labcorp
Classification: Uncertain significance. Last evaluated: 2022-10-13. Review status: criteria provided, single submitter. Criteria: Invitae Variant Classification Sherloc (09022015). Collection method: clinical testing. Allele origin: germline.
Comment: In summary, the available evidence is currently insufficient to determine the role of this variant in disease. Therefore, it has been classified as a Variant of Uncertain Significance. Advanced modeling of protein sequence and biophysical properties (such as structural, functional, and spatial information, amino acid conservation, physicochemical variation, residue mobility, and thermodynamic stability) has been performed at Invitae for this missense variant, however the output from this modeling did not meet the statistical confidence thresholds required to predict the impact of this variant on POLE protein function. This variant has not been reported in the literature in individuals affected with POLE-related conditions. This variant is not present in population databases (gnomAD no frequency). This sequence change replaces alanine, which is neutral and non-polar, with proline, which is neutral and non-polar, at codon 716 of the POLE protein (p.Ala716Pro).

NM_006231.4(POLE):c.2146G>C (p.Ala716Pro)

Gene: POLE (DNA polymerase epsilon, catalytic subunit; minus strand). Cytogenetic location: 12q24.33.
Variant type: single nucleotide variant.
Coding change: c.2146G>C on transcript NM_006231.4 (MANE Select); coding-DNA position 2146, G replaced by C.
Protein change: p.Ala716Pro; replaces alanine 716 with proline.
Molecular consequence: missense variant.
Genome position (GRCh38, 1-based): chr12:132,668,383, C>G on the plus strand (G>C on the coding strand, the complement: POLE is on the minus strand). VCF-style: chr12-132668383-C-G. GRCh37 (hg19) VCF-style: chr12-133244969-C-G.
Other names: short protein forms A716P.
Identifiers: ClinVar variation 2808480 (VCV002808480.3), dbSNP rs1379490235, ClinGen allele CA387353661.